The following is an entry in ClinVar:

ClinVar aggregate classification (germline): Conflicting classifications of pathogenicity. Review status: criteria provided, conflicting classifications (1 of 4 stars). 3 submissions from 3 submitters: Uncertain significance (2); Likely benign (1). Last evaluated 2026-01-05.

Conditions:
TECTA-related disorder. Also called: TECTA-related condition.

Allele frequency attached by ClinVar (database versions not stated): gnomAD exomes 0.00016 and 0.00009; ExAC 0.00022; 1000 Genomes Project 30x 0.00047; 1000 Genomes Project 0.00060.
gnomAD v4.1: 140 of 1,614,144 alleles (0.0087%); highest among the groups gnomAD compares: South Asian, 0.1%; no homozygotes.

Submissions (3):

PreventionGenetics, part of Exact Sciences
Classification: Uncertain significance for TECTA-related condition. Last evaluated: 2026-01-05. Review status: criteria provided, single submitter. Criteria: ACMG Guidelines, 2015. Collection method: clinical testing. Allele origin: germline.
Comment: The TECTA c.3236A>G variant is predicted to result in the amino acid substitution p.Asp1079Gly. To our knowledge, this variant has not been reported in the literature. This variant is reported in 0.10% of alleles in individuals of South Asian descent in gnomAD. Although we suspect that this variant may be benign, at this time, the clinical significance of this variant is uncertain due to the absence of conclusive functional and genetic evidence.

Labcorp Genetics (formerly Invitae), Labcorp
Classification: Likely benign. Last evaluated: 2025-12-09. Review status: criteria provided, single submitter. Criteria: Invitae Variant Classification Sherloc (09022015). Collection method: clinical testing. Allele origin: germline.

GeneDx
Classification: Uncertain significance. Last evaluated: 2019-12-31. Review status: criteria provided, single submitter. Criteria: GeneDx Variant Classification Process June 2021. Collection method: clinical testing. Allele origin: germline. Affected: yes.
Comment: In silico analysis, which includes protein predictors and evolutionary conservation, supports that this variant does not alter protein structure/function; Has not been previously published as pathogenic or benign to our knowledge

NM_005422.4(TECTA):c.3236A>G (p.Asp1079Gly)

Genes: TBCEL-TECTA (TBCEL-TECTA readthrough; plus strand), TECTA (tectorin alpha; plus strand). Cytogenetic location: 11q23.3.
Variant type: single nucleotide variant.
Coding change: c.3236A>G on transcript NM_005422.4 (MANE Select); coding-DNA position 3236, A replaced by G.
Protein change: p.Asp1079Gly; replaces aspartic acid 1079 with glycine.
Molecular consequence: missense variant.
Genome position (GRCh38, 1-based): chr11:121,137,715, A>G. VCF-style: chr11-121137715-A-G. GRCh37 (hg19) VCF-style: chr11-121008424-A-G.
Other names: c.4193A>G, p.Asp1398Gly (NM_001378761.1); short protein forms D1079G, D1398G.
Identifiers: ClinVar variation 1311559 (VCV001311559.8), dbSNP rs562735582, ClinGen allele CA6327170.